The following is an entry in ClinVar:

NM_005585.5(SMAD6):c.1370dup (p.Tyr459fs)

Gene: SMAD6 (SMAD family member 6; plus strand). Cytogenetic location: 15q22.31.
Variant type: Duplication.
Coding change: c.1370dup on transcript NM_005585.5 (MANE Select); coding-DNA position 1370, one base duplicated (G; older notation c.1370dupG).
Protein change: p.Tyr459fs; shifts the reading frame from tyrosine 459.
Molecular consequence: frameshift variant. On other transcripts: non-coding transcript variant (1).
Genome position (GRCh38, 1-based): chr15:66,781,414, G duplicated; the last of 2 consecutive G bases (chr15:66,781,413-66,781,414); duplicating either gives the same sequence. VCF-style (leftmost placement, unchanged base first): chr15-66781412-C-CG. GRCh37 (hg19) VCF-style: chr15-67073750-C-CG.
Other names: short protein forms Y459fs.
Identifiers: ClinVar variation 3656638 (VCV003656638.2).

ClinVar aggregate classification (germline): Uncertain significance (1 of 4 stars; one submission).

Conditions:
Aortic valve disease 2 (AOVD2). Identifiers: MedGen C3542024, MONDO:0013902, OMIM 614823.

Submission:

Labcorp Genetics (formerly Invitae), Labcorp
Classification: Uncertain significance for Aortic valve disease 2. Last evaluated: 2024-06-13. Review status: criteria provided, single submitter. Criteria: Invitae Variant Classification Sherloc (09022015). Collection method: clinical testing. Allele origin: germline.
Comment: This sequence change results in a frameshift in the SMAD6 gene (p.Tyr459Leufs*106). While this is not anticipated to result in nonsense mediated decay, it is expected to disrupt the last 38 amino acid(s) of the SMAD6 protein and extend the protein by 67 additional amino acid residues. This variant is not present in population databases (gnomAD no frequency). This variant has not been reported in the literature in individuals affected with SMAD6-related conditions. Experimental studies and prediction algorithms are not available or were not evaluated, and the functional significance of this variant is currently unknown. In summary, the available evidence is currently insufficient to determine the role of this variant in disease. Therefore, it has been classified as a Variant of Uncertain Significance.